The following is an entry in ClinVar:

ClinVar aggregate classification (germline): Uncertain significance (1 of 4 stars; one submission).

gnomAD v4.1: 5 of 1,614,130 alleles (0.00031%); highest among the groups gnomAD compares: African/African-American, 0.0013%; no homozygotes.

Submission:

Labcorp Genetics (formerly Invitae), Labcorp
Classification: Uncertain significance. Last evaluated: 2025-09-01. Review status: criteria provided, single submitter. Criteria: Invitae Variant Classification Sherloc (09022015). Collection method: clinical testing. Allele origin: germline.
Comment: This sequence change replaces proline, which is neutral and non-polar, with serine, which is neutral and polar, at codon 292 of the KIF20A protein (p.Pro292Ser). This variant is present in population databases (no rsID available, gnomAD 0.01%). This variant has not been reported in the literature in individuals affected with KIF20A-related conditions. An algorithm developed to predict the effect of missense changes on protein structure and function outputs the following: PolyPhen-2: "Benign". The serine amino acid residue is found in multiple mammalian species, which suggests that this missense change does not adversely affect protein function. In summary, the available evidence is currently insufficient to determine the role of this variant in disease. Therefore, it has been classified as a Variant of Uncertain Significance.

NM_005733.3(KIF20A):c.874C>T (p.Pro292Ser)

Gene: KIF20A (kinesin family member 20A; plus strand). Cytogenetic location: 5q31.2.
Variant type: single nucleotide variant.
Coding change: c.874C>T on transcript NM_005733.3 (MANE Select); coding-DNA position 874, C replaced by T.
Protein change: p.Pro292Ser; replaces proline 292 with serine.
Molecular consequence: missense variant.
Genome position (GRCh38, 1-based): chr5:138,183,210, C>T. VCF-style: chr5-138183210-C-T. GRCh37 (hg19) VCF-style: chr5-137518899-C-T.
Other names: short protein forms P292S.
Identifiers: ClinVar variation 4707778 (VCV004707778.1).